The following is an entry in ClinVar:

ClinVar aggregate classification (germline): Conflicting classifications of pathogenicity. Review status: criteria provided, conflicting classifications (1 of 4 stars). 8 submissions from 8 submitters: Uncertain significance (2); Benign (1); Likely benign (4). 1 of the submissions does not count toward it. Last evaluated 2025-12-01.

Conditions:
Inborn genetic diseases. Identifiers: MedGen C0950123, MeSH D030342.
Amyotrophic lateral sclerosis type 4 (ALS4). Also called: NEURONOPATHY, DISTAL HEREDITARY MOTOR, WITH PYRAMIDAL FEATURES; AMYOTROPHIC LATERAL SCLEROSIS 4, JUVENILE. Identifiers: Orphanet 357043, MedGen C1865409, MONDO:0011223, OMIM 602433.
SETX-related disorder. Also called: SETX-related disorders; SETX-related condition. Identifiers: MedGen CN239403.
Spinocerebellar ataxia, autosomal recessive, with axonal neuropathy 2 (SCAN2). Also called: Ataxia-ocular apraxia-2; Ataxia with Oculomotor Apraxia; Ataxia with Oculomotor Apraxia Type 2; ATAXIA-OCULOMOTOR APRAXIA 2. Identifiers: Orphanet 64753, MedGen C1853761, MONDO:0018996, OMIM 606002.
Cone-rod dystrophy. Also called: Cone/cone-rod dystrophy; Cone-rod degeneration. Identifiers: Orphanet 1872, MedGen C4085590, MONDO:0015993, HP:0000548.

Submissions (8):

Labcorp Genetics (formerly Invitae), Labcorp
Classification: Likely benign for Amyotrophic lateral sclerosis type 4; Spinocerebellar ataxia, autosomal recessive, with axonal neuropathy 2. Last evaluated: 2025-12-01. Review status: criteria provided, single submitter. Criteria: Invitae Variant Classification Sherloc (09022015). Collection method: clinical testing. Allele origin: germline.

Women's Health and Genetics/Laboratory Corporation of America, LabCorp
Classification: Likely benign. Last evaluated: 2025-04-09. Review status: criteria provided, single submitter. Criteria: LabCorp Variant Classification Summary - May 2015. Collection method: clinical testing. Allele origin: germline.
Comment: Variant summary: SETX c.3072_3074delTGA (p.Asp1024del) results in an in-frame deletion that is predicted to remove one amino acid from the encoded protein. The variant allele was found at a frequency of 0.00069 in 250820 control chromosomes, predominantly at a frequency of 0.0052 within the South Asian subpopulation in the gnomAD database, including 1 homozygote. The observed variant frequency within South Asian control individuals in the gnomAD database is approximately 4.4 fold of the estimated maximal expected allele frequency for a pathogenic variant in SETX causing Spinocerebellar ataxia, autosomal recessive, with axonal neuropathy 2 phenotype (0.0012), suggesting the variant may be benign. c.3072_3074delTGA has been reported in the literature in a setting of exome sequencing in at least one heterozygous individual of South Asian origin affected with episodic ataxia (e.g. Sesh_2018). These report(s) do not provide unequivocal conclusions about association of the variant with Spinocerebellar ataxia, autosomal recessive, with axonal neuropathy 2. To our knowledge, no experimental evidence demonstrating an impact on protein function has been reported. The following publication has been ascertained in the context of this evaluation (PMID: 29766955). ClinVar contains an entry for this variant (Variation ID: 448320). Based on the evidence outlined above, the variant was classified as likely benign.

Ambry Genetics
Classification: Likely benign for Inborn genetic diseases. Last evaluated: 2023-12-20. Review status: criteria provided, single submitter. Criteria: Ambry Variant Classification Scheme 2023. Collection method: clinical testing. Allele origin: germline.

Athena Diagnostics
Classification: Benign. Last evaluated: 2020-09-11. Review status: criteria provided, single submitter. Criteria: Athena Diagnostics criteria. Collection method: clinical testing. Allele origin: unknown.

Cambridge Genomics Laboratory, East Genomic Laboratory Hub, NHS Genomic Medicine Service
Classification: Likely benign for Cone-rod dystrophy. Last evaluated: 2020-03-27. Review status: criteria provided, single submitter. Criteria: ACGS Best Practice Guidelines for Variant Classification in Rare Disease 2020. Collection method: clinical testing. Allele origin: germline. Affected: yes. Observed: 1 variant allele.

Genomic Research Center, Shahid Beheshti University of Medical Sciences
Classification: Uncertain significance for Amyotrophic lateral sclerosis type 4. Last evaluated: 2019-04-27. Review status: criteria provided, single submitter. Criteria: ACMG Guidelines, 2015. Collection method: clinical testing. Allele origin: unknown. Affected: no.

CeGaT Center for Human Genetics Tuebingen
Classification: Uncertain significance. Last evaluated: 2018-05-01. Review status: criteria provided, single submitter. Criteria: CeGaT Center For Human Genetics Tuebingen Variant Classification Criteria Version 2. Collection method: clinical testing. Allele origin: germline. Affected: yes. Observed: 1 variant allele.

PreventionGenetics, part of Exact Sciences
Classification: Likely benign for SETX-related condition. Last evaluated: 2020-06-08. Review status: no assertion criteria provided. Collection method: clinical testing. Allele origin: germline. Not counted in ClinVar's aggregate classification.
Comment: This variant is classified as likely benign based on ACMG/AMP sequence variant interpretation guidelines (Richards et al. 2015 PMID: 25741868, with internal and published modifications).

Literature cited by the submitters: PubMed 29766955 (cited by Women's Health and Genetics/Laboratory Corporation of America, LabCorp and Athena Diagnostics).

NM_015046.7(SETX):c.3057TGA[5] (p.Asp1024del)

Gene: SETX (senataxin; minus strand). Cytogenetic location: 9q34.13.
Variant type: Microsatellite.
Coding change: c.3057TGA[5] on transcript NM_015046.7 (MANE Select); five copies in a row of the 3-base unit TGA starting at c.3057; the reference has six copies in a row; one copy, 3 bases deleted.
Protein change: p.Asp1024del; deletes aspartic acid 1024.
Molecular consequence: inframe deletion.
Genome position (GRCh38, 1-based): chr9:132,328,524-132,328,526, TCA deleted on the plus strand (TGA on the coding strand, the reverse complement: SETX is on the minus strand); deleting any 3 consecutive bases within chr9:132,328,524-132,328,541 gives the same sequence; the position shown is the placement nearest the transcript's 3' end. VCF-style (leftmost placement, unchanged base first): chr9-132328523-TTCA-T. GRCh37 (hg19) VCF-style: chr9-135203910-TTCA-T.
Other names: c.3072_3074delTGA (NM_015046.5, NM_015046.7); c.3057TGA[5], p.Asp1024del (NM_001351527.2, NM_001351528.2); short protein forms D1024del.
Identifiers: ClinVar variation 448320 (VCV000448320.61), dbSNP rs572772837, ClinGen allele CA5297480.